The following is an entry in ClinVar:

ClinVar aggregate classification (germline): Uncertain significance. Review status: criteria provided, multiple submitters, no conflicts (2 of 4 stars). 2 submissions from 2 submitters: Uncertain significance (2). Last evaluated 2023-05-10.

Conditions:
Familial cancer of breast. Also called: hereditary breast carcinoma; Hereditary breast cancer; BREAST CANCER, FAMILIAL. Identifiers: Orphanet 227535, MedGen C0346153, MONDO:0016419, OMIM 114480. Disease mechanism: loss of function.
Fanconi anemia complementation group J. Also called: BRIP1-Related Fanconi Anemia. Identifiers: Orphanet 84, MedGen C1836860, MONDO:0012187, OMIM 609054.

Submissions (2):

Baylor Genetics
Classification: Uncertain significance for Familial cancer of breast. Last evaluated: 2023-05-10. Review status: criteria provided, single submitter. Criteria: ACMG Guidelines, 2015. Collection method: clinical testing. Allele origin: unknown.

Labcorp Genetics (formerly Invitae), Labcorp
Classification: Uncertain significance for Familial cancer of breast; Fanconi anemia complementation group J. Last evaluated: 2022-09-22. Review status: criteria provided, single submitter. Criteria: Invitae Variant Classification Sherloc (09022015). Collection method: clinical testing. Allele origin: germline.
Comment: In summary, the available evidence is currently insufficient to determine the role of this variant in disease. Therefore, it has been classified as a Variant of Uncertain Significance. Advanced modeling of protein sequence and biophysical properties (such as structural, functional, and spatial information, amino acid conservation, physicochemical variation, residue mobility, and thermodynamic stability) performed at Invitae indicates that this missense variant is expected to disrupt BRIP1 protein function. This variant has not been reported in the literature in individuals affected with BRIP1-related conditions. This variant is not present in population databases (gnomAD no frequency). This sequence change replaces leucine, which is neutral and non-polar, with valine, which is neutral and non-polar, at codon 456 of the BRIP1 protein (p.Leu456Val).

NM_032043.3(BRIP1):c.1366C>G (p.Leu456Val)

Gene: BRIP1 (BRCA1 interacting DNA helicase 1; minus strand). Cytogenetic location: 17q23.2.
Variant type: single nucleotide variant.
Coding change: c.1366C>G on transcript NM_032043.3 (MANE Select); coding-DNA position 1366, C replaced by G.
Protein change: p.Leu456Val; replaces leucine 456 with valine.
Molecular consequence: missense variant.
Genome position (GRCh38, 1-based): chr17:61,793,704, G>C on the plus strand (C>G on the coding strand, the complement: BRIP1 is on the minus strand). VCF-style: chr17-61793704-G-C. GRCh37 (hg19) VCF-style: chr17-59871065-G-C.
Other names: short protein forms L456V.
Identifiers: ClinVar variation 2085190 (VCV002085190.5), dbSNP rs1379791142, ClinGen allele CA400482270.